The following is an entry in ClinVar:

ClinVar aggregate classification (germline): Uncertain significance. Review status: criteria provided, multiple submitters, no conflicts (2 of 4 stars). 3 submissions from 3 submitters: Uncertain significance (3). Last evaluated 2025-02-11.

Conditions:
Developmental and epileptic encephalopathy, 9 (DEE9). Also called: EPILEPSY, FEMALE-RESTRICTED, WITH MENTAL RETARDATION; Early infantile epileptic encephalopathy 9; JUBERG-HELLMAN SYNDROME; PCDH19-Related X-Linked Female-Limited Epilepsy with Mental Retardation. Identifiers: Orphanet 101039, Orphanet 2076, MedGen C1848137, MONDO:0010246, OMIM 300088. Disease mechanism: loss of function.

Allele frequency attached by ClinVar (database versions not stated): gnomAD exomes below 0.00001.
gnomAD v4.1: 1 of 1,211,398 alleles (0.000083%); highest among the groups gnomAD compares: Non-Finnish European, 0.00011%; no homozygotes.

Submissions (3):

GeneDx
Classification: Uncertain significance. Last evaluated: 2025-02-11. Review status: criteria provided, single submitter. Criteria: GeneDx Variant Classification Process June 2021. Collection method: clinical testing. Allele origin: germline. Affected: yes.
Comment: Not observed at significant frequency in large population cohorts (gnomAD); In silico analysis indicates that this missense variant does not alter protein structure/function; Has not been previously published as pathogenic or benign to our knowledge

Labcorp Genetics (formerly Invitae), Labcorp
Classification: Uncertain significance for Developmental and epileptic encephalopathy, 9. Last evaluated: 2022-01-07. Review status: criteria provided, single submitter. Criteria: Invitae Variant Classification Sherloc (09022015). Collection method: clinical testing. Allele origin: germline.
Comment: This sequence change replaces arginine, which is basic and polar, with cysteine, which is neutral and slightly polar, at codon 826 of the PCDH19 protein (p.Arg826Cys). This variant is not present in population databases (gnomAD no frequency). In summary, the available evidence is currently insufficient to determine the role of this variant in disease. Therefore, it has been classified as a Variant of Uncertain Significance. Algorithms developed to predict the effect of missense changes on protein structure and function are either unavailable or do not agree on the potential impact of this missense change (SIFT: "Deleterious"; PolyPhen-2: "Possibly Damaging"; Align-GVGD: "Class C0"). ClinVar contains an entry for this variant (Variation ID: 976170). This variant has not been reported in the literature in individuals affected with PCDH19-related conditions.

Institute of Human Genetics, University of Leipzig Medical Center
Classification: Uncertain significance for Developmental and epileptic encephalopathy, 9. Last evaluated: 2018-10-15. Review status: criteria provided, single submitter. Criteria: ACMG Guidelines, 2015. Collection method: clinical testing. Allele origin: germline. Affected: yes. Observed: 1 variant allele.

NM_001184880.2(PCDH19):c.2476C>T (p.Arg826Cys)

Genes: PCDH19 (protocadherin 19; minus strand), LOC125467768 (CDK7 strongly-dependent group 2 enhancer GRCh37_chrX:99657381-99658580; plus strand). Cytogenetic location: Xq22.1.
Variant type: single nucleotide variant.
Coding change: c.2476C>T on transcript NM_001184880.2 (MANE Select); coding-DNA position 2476, C replaced by T.
Protein change: p.Arg826Cys; replaces arginine 826 with cysteine.
Molecular consequence: missense variant.
Genome position (GRCh38, 1-based): chrX:100,402,664, G>A on the plus strand (C>T on the coding strand, the complement: PCDH19 is on the minus strand). VCF-style: chrX-100402664-G-A. GRCh37 (hg19) VCF-style: chrX-99657662-G-A.
Other names: c.2335C>T, p.Arg779Cys (NM_001105243.2, NM_020766.3); short protein forms R779C, R826C.
Identifiers: ClinVar variation 976170 (VCV000976170.7), dbSNP rs914370738, ClinGen allele CA333825801.